The following is an entry in ClinVar:

NM_004655.4(AXIN2):c.1432C>T (p.His478Tyr)

Gene: AXIN2 (axin 2; minus strand). Cytogenetic location: 17q24.1.
Variant type: single nucleotide variant.
Coding change: c.1432C>T on transcript NM_004655.4 (MANE Select); coding-DNA position 1432, C replaced by T.
Protein change: p.His478Tyr; replaces histidine 478 with tyrosine.
Molecular consequence: missense variant.
Genome position (GRCh38, 1-based): chr17:65,537,604, G>A on the plus strand (C>T on the coding strand, the complement: AXIN2 is on the minus strand). VCF-style: chr17-65537604-G-A. GRCh37 (hg19) VCF-style: chr17-63533722-G-A.
Other names: c.1432C>T, p.His478Tyr (NM_001363813.1); short protein forms H478Y.
Identifiers: ClinVar variation 959088 (VCV000959088.10), dbSNP rs2043954088, ClinGen allele CA400677510.
Genomic context (GRCh38, chr17:65,537,604, plus strand): 5'-GGCAGGCGCCCGGCGAGGCGGCCGCGGGAGGCAGCTTGCCACCGGGCGGGAGCAGGGAGT[G>A]GTACTGCGAATGGTGGTGGTGGTGGTGGTCCGGGGAGCGGGAGCGGGGGCTATAGCGGCC-3'
Protein context (NP_004646.3, residues 468-488): DHHHHHHSQY[His478Tyr]SLLPPGGKLP

ClinVar aggregate classification (germline): Uncertain significance. Review status: criteria provided, multiple submitters, no conflicts (2 of 4 stars). 2 submissions from 2 submitters: Uncertain significance (2). Last evaluated 2024-04-02.

Conditions:
Hereditary cancer-predisposing syndrome. Also called: Tumor predisposition; Hereditary neoplastic syndrome; Neoplastic Syndromes, Hereditary; Hereditary Cancer Syndrome. Identifiers: Orphanet 140162, MedGen C0027672, MeSH D009386, MONDO:0015356.
Oligodontia-cancer predisposition syndrome. Also called: TOOTH AGENESIS-COLORECTAL CANCER SYNDROME. Identifiers: Orphanet 300576, MedGen C1837750, MONDO:0012075, OMIM 608615. Disease mechanism: loss of function.

Allele frequency attached by ClinVar (database versions not stated): gnomAD exomes below 0.00001.
gnomAD v4.1: 1 of 1,602,222 alleles (0.000062%); highest among the groups gnomAD compares: Non-Finnish European, 0.000085%; no homozygotes.

Submissions (2):

Labcorp Genetics (formerly Invitae), Labcorp
Classification: Uncertain significance for Oligodontia-cancer predisposition syndrome. Last evaluated: 2024-04-02. Review status: criteria provided, single submitter. Criteria: Invitae Variant Classification Sherloc (09022015). Collection method: clinical testing. Allele origin: germline.
Comment: This sequence change replaces histidine, which is basic and polar, with tyrosine, which is neutral and polar, at codon 478 of the AXIN2 protein (p.His478Tyr). This variant is not present in population databases (gnomAD no frequency). This variant has not been reported in the literature in individuals affected with AXIN2-related conditions. ClinVar contains an entry for this variant (Variation ID: 959088). An algorithm developed to predict the effect of missense changes on protein structure and function (PolyPhen-2) suggests that this variant is likely to be disruptive. In summary, the available evidence is currently insufficient to determine the role of this variant in disease. Therefore, it has been classified as a Variant of Uncertain Significance.

Ambry Genetics
Classification: Uncertain significance for Hereditary cancer-predisposing syndrome. Last evaluated: 2022-02-08. Review status: criteria provided, single submitter. Criteria: Ambry Variant Classification Scheme 2023. Collection method: clinical testing. Allele origin: germline.
Comment: The p.H478Y variant (also known as c.1432C>T), located in coding exon 5 of the AXIN2 gene, results from a C to T substitution at nucleotide position 1432. The histidine at codon 478 is replaced by tyrosine, an amino acid with similar properties. This amino acid position is well conserved in available vertebrate species. In addition, this alteration is predicted to be tolerated by in silico analysis. Since supporting evidence is limited at this time, the clinical significance of this alteration remains unclear.